The following is an entry in ClinVar:

ClinVar aggregate classification (germline): Uncertain significance (1 of 4 stars; one submission).

Conditions:
Dilated cardiomyopathy 1II (CMD1II). Identifiers: Orphanet 154, MedGen C3554649, MONDO:0014073, OMIM 615184.

Submission:

Labcorp Genetics (formerly Invitae), Labcorp
Classification: Uncertain significance for Dilated cardiomyopathy 1II. Last evaluated: 2025-01-23. Review status: criteria provided, single submitter. Criteria: Invitae Variant Classification Sherloc (09022015). Collection method: clinical testing. Allele origin: germline.
Comment: This sequence change replaces arginine, which is basic and polar, with lysine, which is basic and polar, at codon 120 of the CRYAB protein (p.Arg120Lys). This variant is not present in population databases (gnomAD no frequency). This variant has not been reported in the literature in individuals affected with CRYAB-related conditions. An algorithm developed to predict the effect of missense changes on protein structure and function (PolyPhen-2) suggests that this variant is likely to be disruptive. Experimental studies are conflicting or provide insufficient evidence to determine the effect of this variant on CRYAB function (PMID: 17655279, 19140694). This variant disrupts the p.Arg120 amino acid residue in CRYAB. Other variant(s) that disrupt this residue have been determined to be pathogenic (PMID: 9731540). This suggests that this residue is clinically significant, and that variants that disrupt this residue are likely to be disease-causing. In summary, the available evidence is currently insufficient to determine the role of this variant in disease. Therefore, it has been classified as a Variant of Uncertain Significance.

Literature cited by the submitters: PubMed 17655279; PubMed 19140694; PubMed 9731540.

NM_001289808.2(CRYAB):c.359G>A (p.Arg120Lys)

Gene: CRYAB (crystallin alpha B; minus strand). Cytogenetic location: 11q23.1.
Variant type: single nucleotide variant.
Coding change: c.359G>A on transcript NM_001289808.2 (MANE Select); coding-DNA position 359, G replaced by A.
Protein change: p.Arg120Lys; replaces arginine 120 with lysine.
Molecular consequence: missense variant.
Genome position (GRCh38, 1-based): chr11:111,908,933, C>T on the plus strand (G>A on the coding strand, the complement: CRYAB is on the minus strand). VCF-style: chr11-111908933-C-T. GRCh37 (hg19) VCF-style: chr11-111779657-C-T.
Other names: c.359G>A, p.Arg120Lys (NM_001289807.1, NM_001368245.1, NM_001885.3); c.158G>A, p.Arg53Lys (NM_001330379.1, NM_001368246.1); short protein forms R53K, R120K.
Identifiers: ClinVar variation 3718136 (VCV003718136.2).